The following is an entry in ClinVar:

ClinVar aggregate classification (germline): Likely pathogenic (1 of 4 stars; one submission).

Conditions:
Primary dilated cardiomyopathy (DCM). Also called: Dilated Cardiomyopathy. Identifiers: Orphanet 217604, MedGen C0007193, MeSH D002311, MONDO:0005021, HP:0001644. Inheritance: Various modes of inheritance.

Submission:

Laboratory for Molecular Medicine, Mass General Brigham Personalized Medicine
Classification: Likely pathogenic for Primary dilated cardiomyopathy. Last evaluated: 2019-01-25. Review status: criteria provided, single submitter. Criteria: ACMG Guidelines, 2015. Collection method: clinical testing. Allele origin: germline.
Comment: The p.Gln27942ValfsX10 variant in TTN has not been reported in individuals with TTN-associated diseases, such as dilated cardiomyopathy and neuromuscular conditions and was absent from large population. This variant is predicted to cause a frameshift, which alters the protein’s amino acid sequence beginning at position 27942 and leads to a premature termination codon 10 amino acids downstream. This alteration is then predicted to lead to a truncated or absent protein. TTN truncating variants located in exons that are highly expressed in the heart are strongly associated with autosomal dominant DCM, particularly if they are located in the A-band (Herman 2012, Pugh 2014, Roberts 2015). In addition, TTN variants have also been associated with myopathies and other neuromuscular conditions, which usually have autosomal recessive inheritance (Savarese 2016). The p.Gln27942ValfsX10 variant is located in the A-band. In summary, although additional studies are required to fully establish its clinical significance, this variant meets criteria to be classified as likely pathogenic for TTN-associated diseases. ACMG/AMP Criteria applied: PVS1, PM2.

NM_001267550.2(TTN):c.91528_91529del (p.Gln30510fs)

Genes: TTN (titin; minus strand), TTN-AS1 (TTN antisense RNA 1; plus strand). Cytogenetic location: 2q31.2.
Variant type: Microsatellite.
Coding change: c.91528_91529del on transcript NM_001267550.2 (MANE Select); coding-DNA positions 91528 to 91529, 2 bases deleted (CA; older notation c.91528_91529delCA).
Protein change: p.Gln30510fs; shifts the reading frame from glutamine 30510.
Molecular consequence: frameshift variant.
Genome position (GRCh38, 1-based): chr2:178,551,002-178,551,003, TG deleted on the plus strand (CA on the coding strand, the reverse complement: TTN is on the minus strand); deleting any 2 consecutive bases within chr2:178,551,002-178,551,005 gives the same sequence; the c. name uses the placement nearest the transcript's 3' end. VCF-style (leftmost placement, unchanged base first): chr2-178551001-CTG-C. GRCh37 (hg19) VCF-style: chr2-179415728-CTG-C.
Other names: c.86605_86606del, p.Gln28869fs (NM_001256850.1); c.64333_64334del, p.Gln21445fs (NM_003319.4); c.83824_83825del, p.Gln27942fs (NM_133378.4); c.64708_64709del, p.Gln21570fs (NM_133432.3); c.64909_64910del, p.Gln21637fs (NM_133437.4); short protein forms Q21445fs, Q21570fs, Q21637fs, Q27942fs, Q28869fs, Q30510fs.
Identifiers: ClinVar variation 3075742 (VCV003075742.1), dbSNP rs1264621844, ClinGen allele CA761285320.
Genomic context (GRCh38, chr2:178,551,001, plus strand): 5'-ATTGGAAATAAGTTGTAAATGCTTACCATTTTCATCTCTTGTCATAATAATGCCAGAAGA[CTG>C]TGAGGGCGGGCTTATAGTTCCAACAGCATTTCTTGCAATTATTCTGAACTCATAGCGATC-3'